The following is an entry in ClinVar:

NM_004990.4(MARS1):c.371T>C (p.Ile124Thr)

Gene: MARS1 (methionyl-tRNA synthetase 1; plus strand). Cytogenetic location: 12q13.3.
Variant type: single nucleotide variant.
Coding change: c.371T>C on transcript NM_004990.4 (MANE Select); coding-DNA position 371, T replaced by C.
Protein change: p.Ile124Thr; replaces isoleucine 124 with threonine.
Molecular consequence: missense variant.
Genome position (GRCh38, 1-based): chr12:57,489,515, T>C. VCF-style: chr12-57489515-T-C. GRCh37 (hg19) VCF-style: chr12-57883298-T-C.
Other names: short protein forms I124T.
Identifiers: ClinVar variation 1800093 (VCV001800093.6), dbSNP rs113917592, ClinGen allele CA6650149.

ClinVar aggregate classification (germline): Uncertain significance. Review status: criteria provided, multiple submitters, no conflicts (2 of 4 stars). 2 submissions from 2 submitters: Uncertain significance (2). Last evaluated 2025-05-30.

Conditions:
Severe early-onset pulmonary alveolar proteinosis due to MARS deficiency. Also called: PULMONARY ALVEOLAR PROTEINOSIS, REUNION ISLAND; Interstitial lung and liver disease. Identifiers: Orphanet 440427, MedGen C4225400, MONDO:0014206, OMIM 615486.
Charcot-Marie-Tooth disease axonal type 2U. Also called: CHARCOT-MARIE-TOOTH NEUROPATHY, TYPE 2U; CHARCOT-MARIE-TOOTH DISEASE, AXONAL, AUTOSOMAL DOMINANT, TYPE 2U. Identifiers: Orphanet 397735, MedGen C4084821, MONDO:0014566, OMIM 616280.

Allele frequency attached by ClinVar (database versions not stated): ExAC 0.00001; gnomAD 0.00001; TOPMed 0.00002.

Submissions (2):

Ambry Genetics
Classification: Uncertain significance. Last evaluated: 2025-05-30. Review status: criteria provided, single submitter. Criteria: Ambry Variant Classification Scheme 2023. Collection method: clinical testing. Allele origin: germline.

Labcorp Genetics (formerly Invitae), Labcorp
Classification: Uncertain significance for Charcot-Marie-Tooth disease axonal type 2U; Severe early-onset pulmonary alveolar proteinosis due to MARS deficiency. Last evaluated: 2023-07-09. Review status: criteria provided, single submitter. Criteria: Invitae Variant Classification Sherloc (09022015). Collection method: clinical testing. Allele origin: germline.
Comment: This sequence change replaces isoleucine, which is neutral and non-polar, with threonine, which is neutral and polar, at codon 124 of the MARS protein (p.Ile124Thr). In summary, the available evidence is currently insufficient to determine the role of this variant in disease. Therefore, it has been classified as a Variant of Uncertain Significance. An algorithm developed to predict the effect of missense changes on protein structure and function (PolyPhen-2) suggests that this variant is likely to be tolerated. ClinVar contains an entry for this variant (Variation ID: 1800093). This variant has not been reported in the literature in individuals affected with MARS-related conditions. This variant is present in population databases (rs113917592, gnomAD 0.006%).